The following is an entry in ClinVar:

NM_000152.5(GAA):c.716del (p.Leu239fs)

Gene: GAA (alpha glucosidase; plus strand). Cytogenetic location: 17q25.3.
Variant type: Deletion.
Coding change: c.716del on transcript NM_000152.5 (MANE Select); coding-DNA position 716, one base deleted (T; older notation c.716delT).
Protein change: p.Leu239fs; shifts the reading frame from leucine 239.
Molecular consequence: frameshift variant.
Genome position (GRCh38, 1-based): chr17:80,107,580, T deleted. VCF-style (leftmost placement, unchanged base first): chr17-80107579-CT-C. GRCh37 (hg19) VCF-style: chr17-78081378-CT-C.
Other names: c.716del (LRG_673t1, NM_000152.3); c.716del, p.Leu239fs (NM_001079803.3, NM_001079804.3); short protein forms L239fs.
Identifiers: ClinVar variation 556853 (VCV000556853.19), dbSNP rs1555599594, ClinGen allele CA658795234.
Genomic context (GRCh38, chr17:80,107,579, plus strand): 5'-TTGGGTGTGAGCAAGCCTGGCTGGCCTCTGTCCCGCAGGCTGAACACGACGGTGGCGCCC[CT>C]GTTCTTTGCGGACCAGTTCCTTCAGCTGTCCACCTCGCTGCCCTCGCAGTATATCACAGG-3'

ClinVar aggregate classification (germline): Pathogenic. Review status: reviewed by expert panel (3 of 4 stars). 7 submissions from 7 submitters: Pathogenic (1). 6 of the submissions do not count toward it. Last evaluated 2020-09-20.

Conditions:
Glycogen storage disease, type II (IOPD). Also called: POMPE DISEASE, INFANTILE-ONSET; GLYCOGEN STORAGE DISEASE II, INFANTILE-ONSET; ACID ALPHA-GLUCOSIDASE DEFICIENCY, INFANTILE-ONSET; GAA DEFICIENCY, INFANTILE-ONSET; ACID MALTASE DEFICIENCY, INFANTILE-ONSET; CARDIOMEGALIA GLYCOGENICA DIFFUSA. Identifiers: Orphanet 365, MedGen C0017921, MONDO:0009290, OMIM 232300.

Submissions (7):

ClinGen Lysosomal Storage Disorder Variant Curation Expert Panel
Classification: Pathogenic for Glycogen storage disease, type II. Last evaluated: 2020-09-20. Review status: reviewed by expert panel. Criteria: ClinGen LSD ACMG Specifications v1. Collection method: curation. Allele origin: germline. Inheritance: Autosomal recessive inheritance.
Comment: This variant, c.716delT (p.Leu239ArgfsTer29), is a frameshift variant that is predicted to result in a premature termination codon, nonsense mediated decay, and lack of gene product, meeting PVS1. One patient with this variant meets the ClinGen LSD VCEP's specifications for PP4. This patient is compound heterozygous for the variant and c.1447G>A (p.Gly483Arg) (PMID 31606152, personal communication). This in trans data will be used in the assessment of p.Gly483Arg and is not included here in order to avoid circular logic. Another patient who is compound heterozygous for the variant has been reported (PMID 14695532). However, residual GAA activity was not provided and this data was not included. Therefore, PM3 is not currently met. This variant is not in gnomAD v2.1.1, meeting PM2. There is a ClinVar entry for this variant (Variation ID: 556853, 2 star review status) with one submitter classifying the variant as pathogenic and two as likely pathogenic. In summary, this variant meets the criteria to be classified as pathogenic for Pompe disease. GAA-specific ACMG/AMP criteria applied, as specified by the ClinGen LSD VCEP: PVS1, PM2, PP4.

Genomenon, Inc
Classification: Pathogenic for Glycogen storage disease, type II. Last evaluated: 2026-07-01. Review status: criteria provided, single submitter. Criteria: Genomenon Sequence Variant Interpretation Standards - Updated. Collection method: curation. Allele origin: germline. Affected: yes. Not counted in ClinVar's aggregate classification.
Comment: GAA p.Leu239ArgfsTer29 (c.716del) is a frameshift variant that is predicted to introduce a premature termination codon and result in a truncated or absent protein product. This variant has been observed in at least one proband with a GAA-related disorder (PMID:14695532;32849613;38250073). It is absent or not present at a significant frequency in gnomAD. In conclusion, we classify GAA p.Leu239ArgfsTer29 (c.716del) as a pathogenic variant.

GeneDx
Classification: Pathogenic. Last evaluated: 2023-07-26. Review status: criteria provided, single submitter. Criteria: GeneDx Variant Classification Process June 2021. Collection method: clinical testing. Allele origin: germline. Affected: yes. Not counted in ClinVar's aggregate classification.
Comment: Frameshift variant predicted to result in protein truncation or nonsense mediated decay in a gene for which loss-of-function is a known mechanism of disease; Not observed at significant frequency in large population cohorts (gnomAD); Reported in individuals with glycogen storage disease 2 (Hermans et al., 2004; Gupta et al., 2020); This variant is associated with the following publications: (PMID: 31254424, 31342611, 31606152, 14695532)

Labcorp Genetics (formerly Invitae), Labcorp
Classification: Pathogenic for Glycogen storage disease, type II. Last evaluated: 2021-12-17. Review status: criteria provided, single submitter. Criteria: Invitae Variant Classification Sherloc (09022015). Collection method: clinical testing. Allele origin: germline. Not counted in ClinVar's aggregate classification.
Comment: This sequence change creates a premature translational stop signal (p.Leu239Argfs*29) in the GAA gene. It is expected to result in an absent or disrupted protein product. Loss-of-function variants in GAA are known to be pathogenic (PMID: 18425781, 22252923). This variant is not present in population databases (gnomAD no frequency). This premature translational stop signal has been observed in individual(s) with glycogen storage disease type II (PMID: 14695532). ClinVar contains an entry for this variant (Variation ID: 556853). For these reasons, this variant has been classified as Pathogenic.

Revvity Omics, Revvity
Classification: Pathogenic. Last evaluated: 2021-11-30. Review status: criteria provided, single submitter. Criteria: ACMG Guidelines, 2015. Collection method: clinical testing. Allele origin: germline. Not counted in ClinVar's aggregate classification.

Hadassah Hebrew University Medical Center
Classification: Likely pathogenic for Glycogen storage disease, type II. Last evaluated: 2019-06-20. Review status: criteria provided, single submitter. Criteria: ACMG Guidelines, 2015. Collection method: clinical testing. Allele origin: germline. Inheritance: Autosomal recessive inheritance. Affected: yes. Not counted in ClinVar's aggregate classification.

Counsyl
Classification: Likely pathogenic for Glycogen storage disease, type II. Last evaluated: 2018-02-21. Review status: no assertion criteria provided. Collection method: clinical testing. Allele origin: unknown. Not counted in ClinVar's aggregate classification.

Literature cited by the submitters: PubMed 31606152 (cited by ClinGen Lysosomal Storage Disorder Variant Curation Expert Panel); PubMed 14695532 (cited by 3 submitters); PubMed 32849613 (cited by Genomenon, Inc); PubMed 38250073 (cited by Genomenon, Inc); PubMed 18425781 (cited by Labcorp Genetics (formerly Invitae), Labcorp); PubMed 22252923 (cited by Labcorp Genetics (formerly Invitae), Labcorp).